The following is an entry in ClinVar:

ClinVar aggregate classification (germline): Likely pathogenic (1 of 4 stars; one submission).

Conditions:
Regional enteritis. Also called: Enteritis, Granulomatous. Identifiers: MedGen C0678202, MeSH D003424.

Submission:

Aleixo Muise Laboratory, Hospital For Sick Children
Classification: Likely pathogenic for Regional enteritis. Last evaluated: 2025-06-05. Review status: criteria provided, single submitter. Criteria: ACMG Guidelines, 2015. Collection method: research, in vitro. Allele origin: biparental, not applicable. Inheritance: Autosomal recessive inheritance. Affected: yes. Observed: 2 homozygotes. Functional consequence: loss_of_function_variant.
Comment: PP1, PM4, PM2 - Based on data from gnomAD v4

NM_001165.5(BIRC3):c.1813T>C (p.Ter605Arg)

Gene: BIRC3 (baculoviral IAP repeat containing 3; plus strand). Cytogenetic location: 11q22.2.
Variant type: single nucleotide variant.
Coding change: c.1813T>C on transcript NM_001165.5 (MANE Select); coding-DNA position 1813, T replaced by C.
Protein change: p.Ter605Arg.
Molecular consequence: stop lost.
Genome position (GRCh38, 1-based): chr11:102,337,100, T>C. VCF-style: chr11-102337100-T-C. GRCh37 (hg19) VCF-style: chr11-102207831-T-C.
Other names: c.1813T>C, p.Ter605Arg (NM_182962.3).
Identifiers: ClinVar variation 3906851 (VCV003906851.1).
Genomic context (GRCh38, chr11:102,337,100, plus strand): 5'-TTAAGAAAGTGTCCTATTTGTAGGAGTACAATCAAGGGTACAGTTCGTACATTTCTTTCA[T>C]GAAGAAGAACCAAAACATCGTCTAAACTTTAGAATTAATTTATTAAATGTATTATAACTT-3'